The following is an entry in ClinVar:

ClinVar aggregate classification (germline): Uncertain significance (1 of 4 stars; one submission).

Submission:

GeneDx
Classification: Uncertain significance. Last evaluated: 2017-03-20. Review status: criteria provided, single submitter. Criteria: GeneDx Variant Classification (06012015). Collection method: clinical testing. Allele origin: germline. Affected: yes.
Comment: The D1491A variant in the CUBN gene has not been reported previously as a pathogenic variant, nor as a benign variant, to our knowledge. The D1491A variant is not observed in large population cohorts (Lek et al., 2016; 1000 Genomes Consortium et al., 2015; Exome Variant Server). The D1491A variant is a non-conservative amino acid substitution, which is likely to impact secondary protein structure as these residues differ in polarity, charge, size and/or other properties. This substitution occurs at a position that is conserved across species. In silico analysis predicts this variant is probably damaging to the protein structure/function. We interpret D1491A as a variant of uncertain significance.

NM_001081.4(CUBN):c.4472A>C (p.Asp1491Ala)

Gene: CUBN (cubilin; minus strand). Cytogenetic location: 10p13.
Variant type: single nucleotide variant.
Coding change: c.4472A>C on transcript NM_001081.4 (MANE Select); coding-DNA position 4472, A replaced by C.
Protein change: p.Asp1491Ala; replaces aspartic acid 1491 with alanine.
Molecular consequence: missense variant.
Genome position (GRCh38, 1-based): chr10:16,984,158, T>G on the plus strand (A>C on the coding strand, the complement: CUBN is on the minus strand). VCF-style: chr10-16984158-T-G. GRCh37 (hg19) VCF-style: chr10-17026157-T-G.
Other names: short protein forms D1491A.
Identifiers: ClinVar variation 422051 (VCV000422051.2), dbSNP rs1064795523, ClinGen allele CA16618944.